The following is an entry in ClinVar:

ClinVar aggregate classification (germline): Uncertain significance (1 of 4 stars; one submission).

Conditions:
Early-infantile DEE. Also called: Ohtahara syndrome; Early infantile epileptic encephalopathy with suppression bursts; Early infantile epileptic encephalopathy. Identifiers: Orphanet 1934, MedGen C0393706, MONDO:0800491.

Allele frequency attached by ClinVar (database versions not stated): TOPMed below 0.00001; gnomAD 0.00001; gnomAD exomes 0.00001.
gnomAD v4.1: 8 of 1,535,156 alleles (0.00052%); highest among the groups gnomAD compares: Non-Finnish European, 0.0007%; no homozygotes.

Submission:

Labcorp Genetics (formerly Invitae), Labcorp
Classification: Uncertain significance for Early-infantile DEE. Last evaluated: 2025-06-29. Review status: criteria provided, single submitter. Criteria: Invitae Variant Classification Sherloc (09022015). Collection method: clinical testing. Allele origin: germline.
Comment: This sequence change replaces tryptophan, which is neutral and slightly polar, with glycine, which is neutral and non-polar, at codon 91 of the KCNQ2 protein (p.Trp91Gly). This variant is not present in population databases (gnomAD no frequency). This variant has not been reported in the literature in individuals affected with KCNQ2-related conditions. ClinVar contains an entry for this variant (Variation ID: 2159085). Invitae Evidence Modeling of protein sequence and biophysical properties (such as structural, functional, and spatial information, amino acid conservation, physicochemical variation, residue mobility, and thermodynamic stability) indicates that this missense variant is expected to disrupt KCNQ2 protein function with a positive predictive value of 95%. In summary, the available evidence is currently insufficient to determine the role of this variant in disease. Therefore, it has been classified as a Variant of Uncertain Significance.

NM_172107.4(KCNQ2):c.271T>G (p.Trp91Gly)

Gene: KCNQ2 (potassium voltage-gated channel subfamily Q member 2; minus strand). Cytogenetic location: 20q13.33.
Variant type: single nucleotide variant.
Coding change: c.271T>G on transcript NM_172107.4 (MANE Select); coding-DNA position 271, T replaced by G.
Protein change: p.Trp91Gly; replaces tryptophan 91 with glycine.
Molecular consequence: missense variant.
Genome position (GRCh38, 1-based): chr20:63,472,193, A>C on the plus strand (T>G on the coding strand, the complement: KCNQ2 is on the minus strand). VCF-style: chr20-63472193-A-C. GRCh37 (hg19) VCF-style: chr20-62103546-A-C.
Other names: c.271T>G, p.Trp91Gly (NM_001382235.1, NM_004518.6, NM_172106.3 and 2 more transcripts); short protein forms W91G.
Identifiers: ClinVar variation 2159085 (VCV002159085.4), dbSNP rs1433056811, ClinGen allele CA409635028.